The following is an entry in ClinVar:

ClinVar aggregate classification (germline): Likely benign. Review status: criteria provided, multiple submitters, no conflicts (2 of 4 stars). 2 submissions from 2 submitters: Likely benign (2). Last evaluated 2025-05-28.

Conditions:
Tuberous sclerosis 2 (TSC2). Identifiers: Orphanet 805, MedGen C1860707, MONDO:0013199, OMIM 613254.

Submissions (2):

Myriad Genetics, Inc.
Classification: Likely benign for Tuberous sclerosis 2. Last evaluated: 2025-05-28. Review status: criteria provided, single submitter. Criteria: Myriad Autosomal Dominant, Autosomal Recessive and X-Linked Classification Criteria (2023). Collection method: clinical testing. Allele origin: unknown.
Comment: This variant is considered likely benign. This variant is intronic and is not expected to impact mRNA splicing.

Labcorp Genetics (formerly Invitae), Labcorp
Classification: Likely benign for Tuberous sclerosis 2. Last evaluated: 2025-05-27. Review status: criteria provided, single submitter. Criteria: Invitae Variant Classification Sherloc (09022015). Collection method: clinical testing. Allele origin: germline.

NM_000548.5(TSC2):c.3132-19C>T

Gene: TSC2 (TSC complex subunit 2; plus strand). Cytogenetic location: 16p13.3.
Variant type: single nucleotide variant.
Coding change: c.3132-19C>T on transcript NM_000548.5 (MANE Select); 19 bases into the intron before coding-DNA position 3132, C replaced by T.
Molecular consequence: intron variant.
Genome position (GRCh38, 1-based): chr16:2,079,257, C>T. VCF-style: chr16-2079257-C-T. GRCh37 (hg19) VCF-style: chr16-2129258-C-T.
Other names: c.1659-19C>T (NM_001406693.1, NM_001406690.1, NM_001406692.1 and 1 more transcripts); c.3093-19C>T (NM_001406667.1); c.3090-19C>T (NM_001406668.1); c.2532-19C>T (NM_001406680.1, NM_001406683.1, NM_001406682.1); c.2400-19C>T (NM_001406687.1, NM_001318831.2, NM_001406688.1); c.1788-19C>T (NM_001406689.1); c.1656-19C>T (NM_001406691.1, NM_001406697.1, NM_001406695.1 and 1 more transcripts); c.1398-19C>T (NM_001406698.1); and 18 more.
Identifiers: ClinVar variation 4071318 (VCV004071318.2).
Genomic context (GRCh38, chr16:2,079,257, plus strand): 5'-GTCCAGGCGGCACTACAGGGCTGGGCGGGCCTGCGGGAGCTCCACGGGCAAGCTGGGTTT[C>T]ACGCTCCCTGTCTTCTAGGTCTCCTGTGGGCGAGTTCCTCCTAGCGGGTGGCAGGACCAA-3'